The following is an entry in ClinVar:

ClinVar aggregate classification (germline): Uncertain significance. Review status: criteria provided, multiple submitters, no conflicts (2 of 4 stars). 2 submissions from 2 submitters: Uncertain significance (2). Last evaluated 2025-04-17.

Allele frequency attached by ClinVar (database versions not stated): TOPMed below 0.00001; gnomAD exomes 0.00001 and 0.00003; ExAC 0.00005; ESP Exome Variant Server 0.00019.
gnomAD v4.1: 14 of 1,200,338 alleles (0.0012%); highest among the groups gnomAD compares: Non-Finnish European, 0.0015%; no homozygotes.

Submissions (2):

Labcorp Genetics (formerly Invitae), Labcorp
Classification: Uncertain significance. Last evaluated: 2025-04-17. Review status: criteria provided, single submitter. Criteria: Invitae Variant Classification Sherloc (09022015). Collection method: clinical testing. Allele origin: germline.
Comment: This sequence change replaces tyrosine, which is neutral and polar, with cysteine, which is neutral and slightly polar, at codon 157 of the GPR143 protein (p.Tyr157Cys). This variant is present in population databases (rs374270221, gnomAD 0.006%). This missense change has been observed in individual(s) with ocular albinism (PMID: 27367509). ClinVar contains an entry for this variant (Variation ID: 1373592). Invitae Evidence Modeling of protein sequence and biophysical properties (such as structural, functional, and spatial information, amino acid conservation, physicochemical variation, residue mobility, and thermodynamic stability) indicates that this missense variant is expected to disrupt GPR143 protein function with a positive predictive value of 95%. In summary, the available evidence is currently insufficient to determine the role of this variant in disease. Therefore, it has been classified as a Variant of Uncertain Significance.

CeGaT Center for Human Genetics Tuebingen
Classification: Uncertain significance. Last evaluated: 2023-11-01. Review status: criteria provided, single submitter. Criteria: CeGaT Center For Human Genetics Tuebingen Variant Classification Criteria Version 2. Collection method: clinical testing. Allele origin: germline. Affected: yes. Observed: 1 variant allele.
Comment: GPR143: PP3

Literature cited by the submitters: PubMed 27367509 (cited by Labcorp Genetics (formerly Invitae), Labcorp).

NM_000273.3(GPR143):c.470A>G (p.Tyr157Cys)

Gene: GPR143 (G protein-coupled receptor 143; minus strand). Cytogenetic location: Xp22.2.
Variant type: single nucleotide variant.
Coding change: c.470A>G on transcript NM_000273.3 (MANE Select); coding-DNA position 470, A replaced by G.
Protein change: p.Tyr157Cys; replaces tyrosine 157 with cysteine.
Molecular consequence: missense variant.
Genome position (GRCh38, 1-based): chrX:9,748,652, T>C on the plus strand (A>G on the coding strand, the complement: GPR143 is on the minus strand). VCF-style: chrX-9748652-T-C. GRCh37 (hg19) VCF-style: chrX-9716692-T-C.
Other names: short protein forms Y157C.
Identifiers: ClinVar variation 1373592 (VCV001373592.29), dbSNP rs374270221, ClinGen allele CA10345013.